The following is an entry in ClinVar:

ClinVar aggregate classification (germline): Uncertain significance. Review status: criteria provided, multiple submitters, no conflicts (2 of 4 stars). 3 submissions from 3 submitters: Uncertain significance (3). Last evaluated 2024-05-15.

Conditions:
Fanconi anemia (FA). Also called: Fanconi's anemia. Identifiers: Orphanet 84, MedGen C0015625, MeSH D005199, MONDO:0019391.
Fanconi anemia complementation group I (FANCI). Also called: FANCI-Related Fanconi Anemia. Identifiers: Orphanet 84, MedGen C1836861, MONDO:0012186, OMIM 609053.

Allele frequency attached by ClinVar (database versions not stated): ExAC 0.00001; gnomAD 0.00001; gnomAD exomes 0.00001.
gnomAD v4.1: 18 of 1,614,010 alleles (0.0011%); highest among the groups gnomAD compares: Non-Finnish European, 0.0014%; no homozygotes.

Submissions (3):

ARUP Laboratories, Molecular Genetics and Genomics, ARUP Laboratories
Classification: Uncertain significance for Fanconi anemia complementation group I. Last evaluated: 2024-05-15. Review status: criteria provided, single submitter. Criteria: ARUP Molecular Germline Variant Investigation Process 2024. Collection method: clinical testing. Allele origin: germline.

Fulgent Genetics
Classification: Uncertain significance for Fanconi anemia complementation group I. Last evaluated: 2024-04-22. Review status: criteria provided, single submitter. Criteria: ACMG Guidelines, 2015. Collection method: clinical testing. Allele origin: germline.

Labcorp Genetics (formerly Invitae), Labcorp
Classification: Uncertain significance for Fanconi anemia. Last evaluated: 2022-10-07. Review status: criteria provided, single submitter. Criteria: Invitae Variant Classification Sherloc (09022015). Collection method: clinical testing. Allele origin: germline.
Comment: This sequence change replaces glycine, which is neutral and non-polar, with serine, which is neutral and polar, at codon 269 of the FANCI protein (p.Gly269Ser). This variant is present in population databases (rs753143769, gnomAD 0.0009%). This variant has not been reported in the literature in individuals affected with FANCI-related conditions. Advanced modeling of protein sequence and biophysical properties (such as structural, functional, and spatial information, amino acid conservation, physicochemical variation, residue mobility, and thermodynamic stability) has been performed at Invitae for this missense variant, however the output from this modeling did not meet the statistical confidence thresholds required to predict the impact of this variant on FANCI protein function. In summary, the available evidence is currently insufficient to determine the role of this variant in disease. Therefore, it has been classified as a Variant of Uncertain Significance.

NM_001113378.2(FANCI):c.805G>A (p.Gly269Ser)

Gene: FANCI (FA complementation group I; plus strand). Cytogenetic location: 15q26.1.
Variant type: single nucleotide variant.
Coding change: c.805G>A on transcript NM_001113378.2 (MANE Select); coding-DNA position 805, G replaced by A.
Protein change: p.Gly269Ser; replaces glycine 269 with serine.
Molecular consequence: missense variant.
Genome position (GRCh38, 1-based): chr15:89,268,448, G>A. VCF-style: chr15-89268448-G-A. GRCh37 (hg19) VCF-style: chr15-89811679-G-A.
Other names: c.526G>A, p.Gly176Ser (NM_001376910.1); c.805G>A, p.Gly269Ser (NM_001376911.1, NM_018193.3); short protein forms G269S, G176S.
Identifiers: ClinVar variation 2143930 (VCV002143930.3), dbSNP rs753143769, ClinGen allele CA7722773.